The following is an entry in ClinVar:

NM_004006.3(DMD):c.1713dup (p.Ser572Ter)

Gene: DMD (dystrophin; minus strand). Cytogenetic location: Xp21.1.
Variant type: Duplication.
Coding change: c.1713dup on transcript NM_004006.3 (MANE Select); coding-DNA position 1713, one base duplicated (T; older notation c.1713dupT).
Protein change: p.Ser572Ter; replaces serine 572 with a stop codon.
Molecular consequence: nonsense.
Genome position (GRCh38, 1-based): chrX:32,573,629, A duplicated on the plus strand (T on the coding strand, the reverse complement: DMD is on the minus strand); the first of 5 consecutive A bases (chrX:32,573,629-32,573,633); duplicating any one gives the same sequence. VCF-style (leftmost placement, unchanged base first): chrX-32573628-T-TA. GRCh37 (hg19) VCF-style: chrX-32591745-T-TA.
Other names: c.1689dup, p.Ser564Ter (NM_000109.4); c.1701dup, p.Ser568Ter (NM_004009.3); c.1344dup, p.Ser449Ter (NM_004010.3); c.1713dupT (NM_004006.2); short protein forms S564*, S568*, S572*, S449*.
Identifiers: ClinVar variation 804744 (VCV000804744.3), dbSNP rs1601808932, ClinGen allele CA915950982.

ClinVar aggregate classification (germline): Pathogenic. Review status: criteria provided, multiple submitters, no conflicts (2 of 4 stars). 3 submissions from 3 submitters: Pathogenic (3). Last evaluated 2025-11-18.

Conditions:
Duchenne muscular dystrophy (DMD). Also called: Duchenne Muscular Dystrophy (DMD); MUSCULAR DYSTROPHY, PSEUDOHYPERTROPHIC PROGRESSIVE, DUCHENNE TYPE. Identifiers: Orphanet 98896, MedGen C0013264, MONDO:0010679, OMIM 310200.
Neuromuscular disease caused by qualitative or quantitative defects of dystrophin. Also called: Qualitative or quantitative defects of dystrophin. Identifiers: Orphanet 207085, MedGen C5679787, MONDO:0016147.

Submissions (3):

Labcorp Genetics (formerly Invitae), Labcorp
Classification: Pathogenic for Duchenne muscular dystrophy. Last evaluated: 2025-11-18. Review status: criteria provided, single submitter. Criteria: Invitae Variant Classification Sherloc (09022015). Collection method: clinical testing. Allele origin: germline.
Comment: This sequence change creates a premature translational stop signal (p.Ser572*) in the DMD gene. It is expected to result in an absent or disrupted protein product. Loss-of-function variants in DMD are known to be pathogenic (PMID: 16770791, 25007885). This variant is not present in population databases (gnomAD no frequency). This premature translational stop signal has been observed in individual(s) with Duchenne muscular dystrophy (PMID: 25612904). ClinVar contains an entry for this variant (Variation ID: 804744). For these reasons, this variant has been classified as Pathogenic.

Women's Health and Genetics/Laboratory Corporation of America, LabCorp
Classification: Pathogenic for Neuromuscular disease caused by qualitative or quantitative defects of dystrophin. Last evaluated: 2021-04-10. Review status: criteria provided, single submitter. Criteria: LabCorp Variant Classification Summary - May 2015. Collection method: clinical testing. Allele origin: germline.
Comment: Variant summary: DMD c.1713dupT (p.Ser572X) results in a premature termination codon, predicted to cause a truncation of the encoded protein or absence of the protein due to nonsense mediated decay, which are commonly known mechanisms for disease. Truncations downstream of this position have been classified as pathogenic by our laboratory. The variant was absent in 183104 control chromosomes. c.1713dupT has been reported in the literature in individuals affected with Dystrophinopathies, specifically Duchenne Muscular Dystrophy (DMD) (example, Li_2015, de Almeida_2017, Xu_2018). These data indicate that the variant is likely associated with disease. To our knowledge, no experimental evidence demonstrating an impact on protein function has been reported. One clinical diagnostic laboratory has submitted clinical-significance assessments for this variant to ClinVar after 2014 and classified the variant as pathogenic. Based on the evidence outlined above, the variant was classified as pathogenic.

Athena Diagnostics
Classification: Pathogenic. Last evaluated: 2018-08-24. Review status: criteria provided, single submitter. Criteria: Athena Diagnostics Criteria. Collection method: clinical testing. Allele origin: germline.
Comment: The variant results in a shift of the reading frame, and is therefore predicted to significantly disrupt the protein structure. Found in at least one symptomatic patient, and not found in general population data.

Literature cited by the submitters: PubMed 16770791 (cited by Labcorp Genetics (formerly Invitae), Labcorp); PubMed 25007885 (cited by Labcorp Genetics (formerly Invitae), Labcorp); PubMed 25612904 (cited by 3 submitters); PubMed 29604111 (cited by Women's Health and Genetics/Laboratory Corporation of America, LabCorp); PubMed 28116794 (cited by Women's Health and Genetics/Laboratory Corporation of America, LabCorp).